The following is an entry in ClinVar:

NM_001001710.3(CIMIP2A):c.225G>A (p.Arg75=)

Gene: CIMIP2A (ciliary microtubule inner protein 2A; minus strand). Cytogenetic location: 9q34.3.
Variant type: single nucleotide variant.
Coding change: c.225G>A on transcript NM_001001710.3 (MANE Select); coding-DNA position 225, G replaced by A.
Protein change: p.Arg75=; no amino-acid change (arginine 75 retained).
Molecular consequence: synonymous variant.
Genome position (GRCh38, 1-based): chr9:137,245,685, C>T on the plus strand (G>A on the coding strand, the complement: CIMIP2A is on the minus strand). VCF-style: chr9-137245685-C-T. GRCh37 (hg19) VCF-style: chr9-140140137-C-T.
Identifiers: ClinVar variation 3067274 (VCV003067274.21), dbSNP rs61729153, ClinGen allele CA5366100.

ClinVar aggregate classification (germline): Likely benign (1 of 4 stars; one submission).

Allele frequency attached by ClinVar (database versions not stated): 1000 Genomes Project 0.00100; 1000 Genomes Project 30x 0.00109; ExAC 0.00164; ESP Exome Variant Server 0.00177; gnomAD 0.00179; TOPMed 0.00199; gnomAD exomes 0.00287.
gnomAD v4.1: 4,436 of 1,605,368 alleles (0.28%); highest among the groups gnomAD compares: Non-Finnish European, 0.35%; 6 homozygotes.

Submission:

CeGaT Center for Human Genetics Tuebingen
Classification: Likely benign. Last evaluated: 2024-03-01. Review status: criteria provided, single submitter. Criteria: CeGaT Center For Human Genetics Tuebingen Variant Classification Criteria Version 2. Collection method: clinical testing. Allele origin: germline. Affected: yes. Observed: 1 variant allele.
Comment: CIMIP2A: BP4, BP7